The following is an entry in ClinVar:

NM_002430.3(MN1):c.1983C>G (p.Pro661=)

Gene: MN1 (MN1 proto-oncogene, transcriptional regulator; minus strand). Cytogenetic location: 22q12.1.
Variant type: single nucleotide variant.
Coding change: c.1983C>G on transcript NM_002430.3 (MANE Select); coding-DNA position 1983, C replaced by G.
Protein change: p.Pro661=; no amino-acid change (proline 661 retained).
Molecular consequence: synonymous variant.
Genome position (GRCh38, 1-based): chr22:27,798,561, G>C on the plus strand (C>G on the coding strand, the complement: MN1 is on the minus strand). VCF-style: chr22-27798561-G-C. GRCh37 (hg19) VCF-style: chr22-28194549-G-C.
Identifiers: ClinVar variation 3051020 (VCV003051020.17), dbSNP rs754541900, ClinGen allele CA10166308.

ClinVar aggregate classification (germline): Likely benign. Review status: criteria provided, single submitter (1 of 4 stars). 2 submissions from 2 submitters: Likely benign (1). 1 of the submissions does not count toward it. Last evaluated 2025-01-01.

Conditions:
MN1-related disorder. Also called: MN1-related condition.

Allele frequency attached by ClinVar (database versions not stated): ExAC 0.00016; TOPMed 0.00020; gnomAD 0.00022.
gnomAD v4.1: 596 of 1,527,258 alleles (0.039%); highest among the groups gnomAD compares: Non-Finnish European, 0.048%; no homozygotes.

Submissions (2):

CeGaT Center for Human Genetics Tuebingen
Classification: Likely benign. Last evaluated: 2025-01-01. Review status: criteria provided, single submitter. Criteria: CeGaT Center For Human Genetics Tuebingen Variant Classification Criteria Version 2. Collection method: clinical testing. Allele origin: germline. Affected: yes. Observed: 1 variant allele.
Comment: MN1: BP4, BP7

PreventionGenetics, part of Exact Sciences
Classification: Likely benign for MN1-related condition. Last evaluated: 2023-05-19. Review status: no assertion criteria provided. Collection method: clinical testing. Allele origin: germline. Not counted in ClinVar's aggregate classification.
Comment: This variant is classified as likely benign based on ACMG/AMP sequence variant interpretation guidelines (Richards et al. 2015 PMID: 25741868, with internal and published modifications).